The following is an entry in ClinVar:

NM_001378030.1(CCDC78):c.857G>A (p.Arg286His)

Gene: CCDC78 (coiled-coil domain containing 78; minus strand). Cytogenetic location: 16p13.3.
Variant type: single nucleotide variant.
Coding change: c.857G>A on transcript NM_001378030.1 (MANE Select); coding-DNA position 857, G replaced by A.
Protein change: p.Arg286His; replaces arginine 286 with histidine.
Molecular consequence: missense variant. On other transcripts: non-coding transcript variant (5).
Genome position (GRCh38, 1-based): chr16:724,418, C>T on the plus strand (G>A on the coding strand, the complement: CCDC78 is on the minus strand). VCF-style: chr16-724418-C-T. GRCh37 (hg19) VCF-style: chr16-774418-C-T.
Other names: c.857G>A, p.Arg286His (NM_001031737.3, NM_001378031.1); c.290G>A, p.Arg97His (NM_001378033.1); short protein forms R286H, R97H.
Identifiers: ClinVar variation 1027270 (VCV001027270.8), dbSNP rs750889592, ClinGen allele CA7789377.

ClinVar aggregate classification (germline): Uncertain significance (1 of 4 stars; one submission).

Conditions:
Congenital myopathy with internal nuclei and atypical cores. Also called: Myopathy, centronuclear, 4. Identifiers: Orphanet 319160, MedGen C4707232, MONDO:0013890, OMIM 614807.

Allele frequency attached by ClinVar (database versions not stated): ExAC 0.00001; gnomAD exomes 0.00001 and 0.00002; gnomAD 0.00002 and 0.00003; TOPMed 0.00003.

Submission:

Labcorp Genetics (formerly Invitae), Labcorp
Classification: Uncertain significance for Congenital myopathy with internal nuclei and atypical cores. Last evaluated: 2023-08-15. Review status: criteria provided, single submitter. Criteria: Invitae Variant Classification Sherloc (09022015). Collection method: clinical testing. Allele origin: germline.
Comment: This sequence change replaces arginine, which is basic and polar, with histidine, which is basic and polar, at codon 286 of the CCDC78 protein (p.Arg286His). The frequency data for this variant in the population databases is considered unreliable, as metrics indicate poor data quality at this position in the gnomAD database. This variant has not been reported in the literature in individuals affected with CCDC78-related conditions. ClinVar contains an entry for this variant (Variation ID: 1027270). Advanced modeling of protein sequence and biophysical properties (such as structural, functional, and spatial information, amino acid conservation, physicochemical variation, residue mobility, and thermodynamic stability) performed at Invitae indicates that this missense variant is not expected to disrupt CCDC78 protein function. In summary, the available evidence is currently insufficient to determine the role of this variant in disease. Therefore, it has been classified as a Variant of Uncertain Significance.